The following is an entry in ClinVar:

ClinVar aggregate classification (germline): Uncertain significance (1 of 4 stars; one submission).

Conditions:
Hereditary cancer-predisposing syndrome. Also called: Hereditary Cancer Syndrome; Neoplastic Syndromes, Hereditary; Tumor predisposition; Hereditary neoplastic syndrome. Identifiers: Orphanet 140162, MedGen C0027672, MeSH D009386, MONDO:0015356.

Submission:

Ambry Genetics
Classification: Uncertain significance for Hereditary cancer-predisposing syndrome. Last evaluated: 2021-05-27. Review status: criteria provided, single submitter. Criteria: Ambry Variant Classification Scheme 2023. Collection method: clinical testing. Allele origin: germline.
Comment: The p.A175V variant (also known as c.524C>T), located in coding exon 3 of the RAD51C gene, results from a C to T substitution at nucleotide position 524. The alanine at codon 175 is replaced by valine, an amino acid with similar properties. This amino acid position is highly conserved in available vertebrate species. In addition, the in silico prediction for this alteration is inconclusive. Since supporting evidence is limited at this time, the clinical significance of this alteration remains unclear.

NM_058216.3(RAD51C):c.524C>T (p.Ala175Val)

Gene: RAD51C (RAD51 paralog C; plus strand). Cytogenetic location: 17q22.
Variant type: single nucleotide variant.
Coding change: c.524C>T on transcript NM_058216.3 (MANE Select); coding-DNA position 524, C replaced by T.
Protein change: p.Ala175Val; replaces alanine 175 with valine.
Molecular consequence: missense variant.
Genome position (GRCh38, 1-based): chr17:58,696,812, C>T. VCF-style: chr17-58696812-C-T. GRCh37 (hg19) VCF-style: chr17-56774173-C-T.
Other names: short protein forms A175V.
Identifiers: ClinVar variation 1746339 (VCV001746339.2), dbSNP rs1192165096, ClinGen allele CA400345154.